The following is an entry in ClinVar:

NM_000256.3(MYBPC3):c.363G>A (p.Pro121=)

Gene: MYBPC3 (myosin binding protein C3; minus strand). Cytogenetic location: 11p11.2.
Variant type: single nucleotide variant.
Coding change: c.363G>A on transcript NM_000256.3 (MANE Select); coding-DNA position 363, G replaced by A.
Protein change: p.Pro121=; no amino-acid change (proline 121 retained).
Molecular consequence: synonymous variant.
Genome position (GRCh38, 1-based): chr11:47,350,545, C>T on the plus strand (G>A on the coding strand, the complement: MYBPC3 is on the minus strand). VCF-style: chr11-47350545-C-T. GRCh37 (hg19) VCF-style: chr11-47372096-C-T.
Other names: c.363G>A, p.Pro121= (LRG_386t1).
Identifiers: ClinVar variation 454330 (VCV000454330.19), dbSNP rs780768974, ClinGen allele CA054600.

ClinVar aggregate classification (germline): Likely benign. Review status: criteria provided, multiple submitters, no conflicts (2 of 4 stars). 6 submissions from 6 submitters: Likely benign (6). Last evaluated 2025-12-23.

Conditions:
Cardiovascular phenotype. Identifiers: MedGen CN230736.
Hypertrophic cardiomyopathy. Also called: HYPERTROPHIC MYOCARDIOPATHY. Identifiers: Orphanet 217569, MedGen C0007194, MeSH D002312, MONDO:0005045, HP:0001639.
Cardiomyopathy (CMYO). Also called: Cardiomyopathies. Identifiers: Orphanet 167848, MedGen C0878544, MONDO:0004994, HP:0001638. Inheritance: Various modes of inheritance.

Allele frequency attached by ClinVar (database versions not stated): gnomAD 0.00002 and 0.00003; gnomAD exomes 0.00003 and 0.00004; TOPMed 0.00006; ExAC 0.00011.
gnomAD v4.1: 44 of 1,552,488 alleles (0.0028%); highest among the groups gnomAD compares: South Asian, 0.011%; no homozygotes.

Submissions (6):

Labcorp Genetics (formerly Invitae), Labcorp
Classification: Likely benign for Hypertrophic cardiomyopathy. Last evaluated: 2025-12-23. Review status: criteria provided, single submitter. Criteria: Invitae Variant Classification Sherloc (09022015). Collection method: clinical testing. Allele origin: germline.

Women's Health and Genetics/Laboratory Corporation of America, LabCorp
Classification: Likely benign. Last evaluated: 2024-12-13. Review status: criteria provided, single submitter. Criteria: LabCorp Variant Classification Summary - May 2015. Collection method: clinical testing. Allele origin: germline.

All of Us Research Program, National Institutes of Health
Classification: Likely benign for Hypertrophic cardiomyopathy. Last evaluated: 2023-12-01. Review status: criteria provided, single submitter. Criteria: ACMG Guidelines, 2015. Collection method: clinical testing. Allele origin: germline. Inheritance: Autosomal dominant inheritance. Observed: 5 variant alleles, 5 heterozygotes.
Comment: This study involves interpretation of variants in research participants for the purpose of population health screening. Participant phenotype was not available at the time of variant classification. Additional details can be found in publication PMID: 35346344, PMCID: PMC8962531

Ambry Genetics
Classification: Likely benign for Cardiovascular phenotype. Last evaluated: 2023-04-05. Review status: criteria provided, single submitter. Criteria: Ambry Variant Classification Scheme 2023. Collection method: clinical testing. Allele origin: germline.

Color Diagnostics, LLC DBA Color Health
Classification: Likely benign for Cardiomyopathy. Last evaluated: 2019-07-02. Review status: criteria provided, single submitter. Criteria: ACMG Guidelines, 2015. Collection method: clinical testing. Allele origin: germline.

GeneDx
Classification: Likely benign. Last evaluated: 2019-03-29. Review status: criteria provided, single submitter. Criteria: GeneDx Variant Classification Process June 2021. Collection method: clinical testing. Allele origin: germline. Affected: yes.